The following is an entry in ClinVar:

NM_000077.5(CDKN2A):c.*7C>T

Gene: CDKN2A (cyclin dependent kinase inhibitor 2A; minus strand). Cytogenetic location: 9p21.3.
Variant type: single nucleotide variant.
Coding change: c.*7C>T on transcript NM_000077.5; 7 bases downstream of the stop codon, C replaced by T.
Molecular consequence: 3 prime UTR variant (on NM_001195132.2).
Genome position (GRCh38, 1-based): chr9:21,968,222, G>A on the plus strand (C>T on the coding strand, the complement: CDKN2A is on the minus strand). VCF-style: chr9-21968222-G-A. GRCh37 (hg19) VCF-style: chr9-21968221-G-A.
Other names: c.*7C>T (NM_000077.6, NM_001363763.2); c.*171C>T (NM_001195132.2); c.*122C>T (NM_058195.4); c.*401C>T (NM_058197.5).
Identifiers: ClinVar variation 4294138 (VCV004294138.1).
Genomic context (GRCh38, chr9:21,968,222, plus strand): 5'-CCCTGTAGGACCTTCGGTGACTGATGATCTAAGTTTCCCGAGGTTTCTCAGAGCCTCTCT[G>A]GTTCTTTCAATCGGGGATGTCTGCAGAGGGCAGAAAGAAAACAGGCGTTAGAAACCTGAG-3'

ClinVar aggregate classification (germline): Benign (1 of 4 stars; one submission).

Conditions:
Melanoma-pancreatic cancer syndrome. Identifiers: Orphanet 404560, MedGen C1838547, MONDO:0011713, OMIM 606719. Disease mechanism: loss of function.

Submission:

Myriad Genetics, Inc.
Classification: Benign for Melanoma-pancreatic cancer syndrome. Last evaluated: 2025-08-20. Review status: criteria provided, single submitter. Criteria: Myriad Autosomal Dominant, Autosomal Recessive and X-Linked Classification Criteria (2023). Collection method: clinical testing. Allele origin: unknown.
Comment: This variant is considered benign. This variant occurs in the non-coding 3' untranslated region of the gene, and is not expected to impact protein function.